The following is an entry in ClinVar:

ClinVar aggregate classification (germline): Likely benign. Review status: criteria provided, single submitter (1 of 4 stars). 2 submissions from 2 submitters: Likely benign (1). 1 of the submissions does not count toward it. Last evaluated 2025-10-06.

Conditions:
Bardet-Biedl syndrome (BBS). Identifiers: Orphanet 110, MedGen C0752166, MONDO:0015229.
BBS9-related disorder. Also called: BBS9-related condition.

Allele frequency attached by ClinVar (database versions not stated): gnomAD 0.00001; TOPMed 0.00001; gnomAD exomes 0.00002; ESP Exome Variant Server 0.00008; ExAC 0.00013.
gnomAD v4.1: 35 of 1,613,254 alleles (0.0022%); highest among the groups gnomAD compares: East Asian, 0.0045%; no homozygotes.

Submissions (2):

Labcorp Genetics (formerly Invitae), Labcorp
Classification: Likely benign for Bardet-Biedl syndrome. Last evaluated: 2025-10-06. Review status: criteria provided, single submitter. Criteria: Invitae Variant Classification Sherloc (09022015). Collection method: clinical testing. Allele origin: germline.

PreventionGenetics, part of Exact Sciences
Classification: Likely benign for BBS9-related condition. Last evaluated: 2021-06-08. Review status: no assertion criteria provided. Collection method: clinical testing. Allele origin: germline. Not counted in ClinVar's aggregate classification.
Comment: This variant is classified as likely benign based on ACMG/AMP sequence variant interpretation guidelines (Richards et al. 2015 PMID: 25741868, with internal and published modifications).

NM_198428.3(BBS9):c.1380C>T (p.Tyr460=)

Gene: BBS9 (Bardet-Biedl syndrome 9; plus strand). Cytogenetic location: 7p14.3.
Variant type: single nucleotide variant.
Coding change: c.1380C>T on transcript NM_198428.3 (MANE Select); coding-DNA position 1380, C replaced by T.
Protein change: p.Tyr460=; no amino-acid change (tyrosine 460 retained).
Molecular consequence: synonymous variant. On other transcripts: non-coding transcript variant (3).
Genome position (GRCh38, 1-based): chr7:33,349,118, C>T. VCF-style: chr7-33349118-C-T. GRCh37 (hg19) VCF-style: chr7-33388730-C-T.
Other names: c.1380C>T (NM_198428.2); c.1380C>T, p.Tyr460= (NM_001033604.2, NM_001033605.2, NM_001348036.1 and 7 more transcripts); c.1014C>T, p.Tyr338= (NM_001348037.3, NM_001348044.3, NM_001348045.3 and 1 more transcripts); c.1107C>T, p.Tyr369= (NM_001348038.3, NM_001348039.3); c.1245C>T, p.Tyr415= (NM_001348042.3).
Identifiers: ClinVar variation 2198751 (VCV002198751.5), dbSNP rs376024532, ClinGen allele CA4214296.